The following is an entry in ClinVar:

NM_001382391.1(CSPP1):c.554C>G (p.Ser185Cys)

Gene: CSPP1 (centrosome and spindle pole associated protein 1; plus strand). Cytogenetic location: 8q13.1.
Variant type: single nucleotide variant.
Coding change: c.554C>G on transcript NM_001382391.1 (MANE Select); coding-DNA position 554, C replaced by G.
Protein change: p.Ser185Cys; replaces serine 185 with cysteine.
Molecular consequence: missense variant. On other transcripts: 5 prime UTR variant (1).
Genome position (GRCh38, 1-based): chr8:67,095,363, C>G. VCF-style: chr8-67095363-C-G. GRCh37 (hg19) VCF-style: chr8-68007598-C-G.
Other names: c.-302C>G (NM_001291339.2); c.473C>G, p.Ser158Cys (NM_001363131.2, NM_001363133.2); c.554C>G, p.Ser185Cys (NM_001363132.2); c.662C>G, p.Ser221Cys (NM_001364869.1); c.581C>G, p.Ser194Cys (NM_001364870.1, NM_024790.7); short protein forms S158C, S185C, S194C, S221C.
Identifiers: ClinVar variation 1422534 (VCV001422534.6), dbSNP rs1477078769, ClinGen allele CA371190297.

ClinVar aggregate classification (germline): Uncertain significance (1 of 4 stars; one submission).

Conditions:
Joubert syndrome 21 (JBTS21). Identifiers: MedGen C3810212, MONDO:0014288, OMIM 615636.

Allele frequency attached by ClinVar (database versions not stated): gnomAD exomes below 0.00001.
gnomAD v4.1: 5 of 1,607,402 alleles (0.00031%); highest among the groups gnomAD compares: Non-Finnish European, 0.00042%; no homozygotes.

Submission:

Labcorp Genetics (formerly Invitae), Labcorp
Classification: Uncertain significance for Joubert syndrome 21. Last evaluated: 2022-04-24. Review status: criteria provided, single submitter. Criteria: Invitae Variant Classification Sherloc (09022015). Collection method: clinical testing. Allele origin: germline.
Comment: In summary, the available evidence is currently insufficient to determine the role of this variant in disease. Therefore, it has been classified as a Variant of Uncertain Significance. Algorithms developed to predict the effect of missense changes on protein structure and function are either unavailable or do not agree on the potential impact of this missense change (SIFT: "Tolerated"; PolyPhen-2: "Possibly Damaging"; Align-GVGD: "Class C0"). This variant has not been reported in the literature in individuals affected with CSPP1-related conditions. This variant is present in population databases (no rsID available, gnomAD 0.0009%). This sequence change replaces serine, which is neutral and polar, with cysteine, which is neutral and slightly polar, at codon 194 of the CSPP1 protein (p.Ser194Cys).